The following is an entry in ClinVar:

ClinVar aggregate classification (germline): Uncertain significance (1 of 4 stars; one submission).

Conditions:
Inborn genetic diseases. Identifiers: MedGen C0950123, MeSH D030342.

gnomAD v4.1: 3 of 1,612,884 alleles (0.00019%); highest among the groups gnomAD compares: Non-Finnish European, 0.00025%; no homozygotes.

Submission:

Ambry Genetics
Classification: Uncertain significance for Inborn genetic diseases. Last evaluated: 2025-10-30. Review status: criteria provided, single submitter. Criteria: Ambry Variant Classification Scheme 2023. Collection method: clinical testing. Allele origin: germline.
Comment: The p.N305S variant (also known as c.914A>G), located in coding exon 5 of the ETV6 gene, results from an A to G substitution at nucleotide position 914. The asparagine at codon 305 is replaced by serine, an amino acid with highly similar properties. This amino acid position is conserved. In addition, this alteration is predicted to be tolerated by in silico analysis. Based on the available evidence, the clinical significance of this variant remains unclear.

NM_001987.5(ETV6):c.914A>G (p.Asn305Ser)

Gene: ETV6 (ETS variant transcription factor 6; plus strand). Cytogenetic location: 12p13.2.
Variant type: single nucleotide variant.
Coding change: c.914A>G on transcript NM_001987.5 (MANE Select); coding-DNA position 914, A replaced by G.
Protein change: p.Asn305Ser; replaces asparagine 305 with serine.
Molecular consequence: missense variant.
Genome position (GRCh38, 1-based): chr12:11,869,874, A>G. VCF-style: chr12-11869874-A-G. GRCh37 (hg19) VCF-style: chr12-12022808-A-G.
Other names: c.911A>G, p.Asn304Ser (NM_001413913.1); c.887A>G, p.Asn296Ser (NM_001413914.1); c.650A>G, p.Asn217Ser (NM_001413915.1); c.914A>G, p.Asn305Ser (NM_001413916.1, NM_001413917.1); short protein forms N296S, N217S, N305S, N304S.
Identifiers: ClinVar variation 4618863 (VCV004618863.1).